The following is an entry in ClinVar:

ClinVar aggregate classification (germline): Uncertain significance (1 of 4 stars; one submission).

Conditions:
Cardiovascular phenotype. Identifiers: MedGen CN230736.

Submission:

Ambry Genetics
Classification: Uncertain significance for Cardiovascular phenotype. Last evaluated: 2024-04-12. Review status: criteria provided, single submitter. Criteria: Ambry Variant Classification Scheme 2023. Collection method: clinical testing. Allele origin: germline.
Comment: The c.523_524delGCinsAA variant (also known as p.A175K), located in coding exon 1 of the ALPK3 gene, results from an in-frame deletion of GC and insertion of AA at nucleotide positions 523 to 524. This results in the substitution of the alanine residue for a lysine residue at codon 175, an amino acid with dissimilar properties. This amino acid position is well conserved in available vertebrate species. In addition, this alteration is predicted to be neutral by in silico analysis (Choi Y et al. PLoS ONE. 2012; 7(10):e46688). Based on the available evidence, the clinical significance of this variant remains unclear.

NM_020778.5(ALPK3):c.-84_-83delinsAA

Gene: ALPK3 (alpha kinase 3; plus strand). Cytogenetic location: 15q25.3.
Variant type: Indel.
Coding change: c.-84_-83delinsAA on transcript NM_020778.5 (MANE Select); 84 bases upstream of the start codon through 83 bases upstream of the start codon, GC replaced by AA.
Molecular consequence: 5 prime UTR variant.
Genome position (GRCh38, 1-based): chr15:84,817,369-84,817,370, GC replaced by AA. VCF-style: chr15-84817369-GC-AA. GRCh37 (hg19) VCF-style: chr15-85360600-GC-AA.
Identifiers: ClinVar variation 3291349 (VCV003291349.1).